The following is an entry in ClinVar:

NM_017866.6(TMEM70):c.773A>G (p.Asp258Gly)

Gene: TMEM70 (transmembrane protein 70; plus strand). Cytogenetic location: 8q21.11.
Variant type: single nucleotide variant.
Coding change: c.773A>G on transcript NM_017866.6 (MANE Select); coding-DNA position 773, A replaced by G.
Protein change: p.Asp258Gly; replaces aspartic acid 258 with glycine.
Molecular consequence: missense variant. On other transcripts: 3 prime UTR variant (1), non-coding transcript variant (1).
Genome position (GRCh38, 1-based): chr8:73,981,611, A>G. VCF-style: chr8-73981611-A-G. GRCh37 (hg19) VCF-style: chr8-74893846-A-G.
Other names: c.*463A>G (NM_001040613.3); short protein forms D258G.
Identifiers: ClinVar variation 2145135 (VCV002145135.1), dbSNP rs1563700125, ClinGen allele CA371490722.

ClinVar aggregate classification (germline): Uncertain significance (1 of 4 stars; one submission).

Conditions:
Mitochondrial complex V (ATP synthase) deficiency, nuclear type 2. Also called: Nuclear-Encoded ATPase Deficiency, TMEM70-Related; ENCEPHALOCARDIOMYOPATHY, MITOCHONDRIAL, NEONATAL, DUE TO ATP SYNTHASE DEFICIENCY; MITOCHONDRIAL COMPLEX V (ATP SYNTHASE) DEFICIENCY, TMEM70 TYPE. Identifiers: Orphanet 1194, MedGen C3279699, MONDO:0013546, OMIM 614052.

Allele frequency attached by ClinVar (database versions not stated): gnomAD exomes below 0.00001; gnomAD 0.00001.
gnomAD v4.1: 4 of 1,603,850 alleles (0.00025%); highest among the groups gnomAD compares: South Asian, 0.0011%; no homozygotes.

Submission:

Labcorp Genetics (formerly Invitae), Labcorp
Classification: Uncertain significance for Mitochondrial complex V (ATP synthase) deficiency, nuclear type 2. Last evaluated: 2022-10-05. Review status: criteria provided, single submitter. Criteria: Invitae Variant Classification Sherloc (09022015). Collection method: clinical testing. Allele origin: germline.
Comment: This sequence change replaces aspartic acid, which is acidic and polar, with glycine, which is neutral and non-polar, at codon 258 of the TMEM70 protein (p.Asp258Gly). This variant is not present in population databases (gnomAD no frequency). This variant has not been reported in the literature in individuals affected with TMEM70-related conditions. Algorithms developed to predict the effect of missense changes on protein structure and function output the following: SIFT: "Tolerated"; PolyPhen-2: "Benign"; Align-GVGD: "Class C0". The glycine amino acid residue is found in multiple mammalian species, which suggests that this missense change does not adversely affect protein function. In summary, the available evidence is currently insufficient to determine the role of this variant in disease. Therefore, it has been classified as a Variant of Uncertain Significance.